The following is an entry in ClinVar:

NM_001267550.2(TTN):c.63578G>A (p.Arg21193His)

Genes: TTN-AS1 (TTN antisense RNA 1; plus strand), TTN (titin; minus strand). Cytogenetic location: 2q31.2.
Variant type: single nucleotide variant.
Coding change: c.63578G>A on transcript NM_001267550.2 (MANE Select); coding-DNA position 63578, G replaced by A.
Protein change: p.Arg21193His; replaces arginine 21193 with histidine.
Molecular consequence: missense variant.
Genome position (GRCh38, 1-based): chr2:178,587,731, C>T on the plus strand (G>A on the coding strand, the complement: TTN is on the minus strand). VCF-style: chr2-178587731-C-T. GRCh37 (hg19) VCF-style: chr2-179452458-C-T.
Other names: c.58655G>A, p.Arg19552His (NM_001256850.1); c.36383G>A, p.Arg12128His (NM_003319.4); c.36758G>A, p.Arg12253His (NM_133432.3); c.36959G>A, p.Arg12320His (NM_133437.4); c.55874G>A, p.Arg18625His (NM_133378.4); c.63578G>A (NM_001267550.1); short protein forms R18625H, R21193H, R19552H, R12253H, R12320H, R12128H.
Identifiers: ClinVar variation 179044 (VCV000179044.19), dbSNP rs372267046, ClinGen allele CA183601.

ClinVar aggregate classification (germline): Conflicting classifications of pathogenicity. Review status: criteria provided, conflicting classifications (1 of 4 stars). 12 submissions from 8 submitters: Uncertain significance (10); Benign (2). Last evaluated 2025-02-24.

Conditions:
Cardiovascular phenotype. Identifiers: MedGen CN230736.
Autosomal recessive limb-girdle muscular dystrophy type 2J (LGMDR10). Also called: MUSCULAR DYSTROPHY, LIMB-GIRDLE, AUTOSOMAL RECESSIVE 10; Limb-girdle muscular dystrophy, type 2J. Identifiers: Orphanet 140922, MedGen C1837342, MONDO:0012127, OMIM 608807.
Dilated cardiomyopathy 1G (CMD1G). Identifiers: Orphanet 154, MedGen C1858763, MONDO:0011400, OMIM 604145.
Early-onset myopathy with fatal cardiomyopathy (CMYO5). Also called: CONGENITAL MYOPATHY 5 WITH CARDIOMYOPATHY; Salih Myopathy. Identifiers: Orphanet 289377, MedGen C2673677, MONDO:0012714, OMIM 611705. Disease mechanism: loss of function.
Myopathy, myofibrillar, 9, with early respiratory failure (MFM9). Also called: Myopathy, distal, with early respiratory failure, autosomal dominant; EDSTROM MYOPATHY; MYOPATHY, PROXIMAL, WITH EARLY RESPIRATORY MUSCLE INVOLVEMENT; Hereditary myopathy with early respiratory failure. Identifiers: Orphanet 178464, Orphanet 34521, MedGen C1863599, MONDO:0011362, OMIM 603689.
Tibial muscular dystrophy (TMD). Also called: Tibial muscular dystrophy, tardive; Udd Distal Myopathy – Tibial Muscular Dystrophy; UDD MYOPATHY. Identifiers: Orphanet 609, MedGen C1838244, MONDO:0010870, OMIM 600334.
Hypertrophic cardiomyopathy. Also called: HYPERTROPHIC MYOCARDIOPATHY. Identifiers: Orphanet 217569, MedGen C0007194, MeSH D002312, MONDO:0005045, HP:0001639.

Allele frequency attached by ClinVar (database versions not stated): TOPMed 0.00006; gnomAD 0.00007; ExAC 0.00008; ESP Exome Variant Server 0.00008; gnomAD exomes 0.00008 and 0.00009.
gnomAD v4.1: 147 of 1,612,478 alleles (0.0091%); highest among the groups gnomAD compares: Middle Eastern, 0.082%; no homozygotes.

Submissions (12):

Women's Health and Genetics/Laboratory Corporation of America, LabCorp
Classification: Uncertain significance. Last evaluated: 2025-02-24. Review status: criteria provided, single submitter. Criteria: LabCorp Variant Classification Summary - May 2015. Collection method: clinical testing. Allele origin: germline.
Comment: Variant summary: TTN c.55874G>A (p.Arg18625His) results in a non-conservative amino acid change in the encoded protein sequence. Three of four in-silico tools predict a damaging effect of the variant on protein function. The variant allele was found at a frequency of 8.5e-05 in 247430 control chromosomes. This frequency is not significantly higher than estimated for a pathogenic variant in TTN causing Dilated Cardiomyopathy (8.5e-05 vs 0.00039), allowing no conclusion about variant significance. c.55874G>A has been reported in the literature as a VUS in a setting of multigene panel testing in at least one individual affected with Hypertrophic Cardiomyopathy. This report does not provide unequivocal conclusions about association of the variant with Dilated Cardiomyopathy. To our knowledge, no experimental evidence demonstrating an impact on protein function has been reported. The following publication has been ascertained in the context of this evaluation (PMID: 34137518). ClinVar contains an entry for this variant (Variation ID: 179044). Based on the evidence outlined above, the variant was classified as uncertain significance.

Athena Diagnostics
Classification: Uncertain significance. Last evaluated: 2023-12-08. Review status: criteria provided, single submitter. Criteria: Athena Diagnostics Criteria. Collection method: clinical testing. Allele origin: unknown.
Comment: Available data are insufficient to determine the clinical significance of the variant at this time. The frequency of this variant in the general population is uninformative in assessment of its pathogenicity. Computational tools disagree on the variant's effect on normal protein function.

Ambry Genetics
Classification: Uncertain significance for Cardiovascular phenotype. Last evaluated: 2019-12-09. Review status: criteria provided, single submitter. Criteria: Ambry Variant Classification Scheme 2023. Collection method: clinical testing. Allele origin: germline.
Comment: The p.R12128H variant (also known as c.36383G>A), located in coding exon 133 of the TTN gene, results from a G to A substitution at nucleotide position 36383. The arginine at codon 12128 is replaced by histidine, an amino acid with highly similar properties. This amino acid position is highly conserved in available vertebrate species. In addition, this alteration is predicted to be tolerated by in silico analysis. Since supporting evidence is limited at this time, the clinical significance of this alteration remains unclear.

Revvity Omics, Revvity
Classification: Uncertain significance. Last evaluated: 2019-07-17. Review status: criteria provided, single submitter. Criteria: ACMG Guidelines, 2015. Collection method: clinical testing. Allele origin: germline.

Illumina Laboratory Services, Illumina
Classification: Uncertain significance for Dilated cardiomyopathy 1G. Last evaluated: 2018-01-13. Review status: criteria provided, single submitter. Criteria: ICSL Variant Classification Criteria 13 December 2019. Collection method: clinical testing. Allele origin: germline.

Illumina Laboratory Services, Illumina
Classification: Benign for Myopathy, myofibrillar, 9, with early respiratory failure. Last evaluated: 2018-01-13. Review status: criteria provided, single submitter. Criteria: ICSL Variant Classification Criteria 13 December 2019. Collection method: clinical testing. Allele origin: germline.
Comment: This variant was observed in the ICSL laboratory as part of a predisposition screen in an ostensibly healthy population. It had not been previously curated by ICSL or reported in the Human Gene Mutation Database (HGMD: prior to June 1st, 2018), and was therefore a candidate for classification through an automated scoring system. Utilizing variant allele frequency, disease prevalence and penetrance estimates, and inheritance mode, an automated score was calculated to assess if this variant is too frequent to cause the disease. Based on the score and internal cut-off values, a variant classified as benign is not then subjected to further curation. The score for this variant resulted in a classification of benign for this disease.

Illumina Laboratory Services, Illumina
Classification: Uncertain significance for Early-onset myopathy with fatal cardiomyopathy. Last evaluated: 2018-01-13. Review status: criteria provided, single submitter. Criteria: ICSL Variant Classification Criteria 13 December 2019. Collection method: clinical testing. Allele origin: germline.

Illumina Laboratory Services, Illumina
Classification: Uncertain significance for Autosomal recessive limb-girdle muscular dystrophy type 2J. Last evaluated: 2018-01-13. Review status: criteria provided, single submitter. Criteria: ICSL Variant Classification Criteria 13 December 2019. Collection method: clinical testing. Allele origin: germline.

Illumina Laboratory Services, Illumina
Classification: Benign for Tibial muscular dystrophy. Last evaluated: 2018-01-13. Review status: criteria provided, single submitter. Criteria: ICSL Variant Classification Criteria 13 December 2019. Collection method: clinical testing. Allele origin: germline.
Comment: the same text as in the submission from Illumina Laboratory Services, Illumina above.

Labcorp Genetics (formerly Invitae), Labcorp
Classification: Uncertain significance for Dilated cardiomyopathy 1G; Autosomal recessive limb-girdle muscular dystrophy type 2J. Last evaluated: 2016-10-01. Review status: criteria provided, single submitter. Criteria: Invitae Variant Classification Sherloc (09022015). Collection method: clinical testing. Allele origin: germline.

Laboratory for Molecular Medicine, Mass General Brigham Personalized Medicine
Classification: Uncertain significance. Last evaluated: 2014-05-09. Review status: criteria provided, single submitter. Criteria: LMM Criteria. Collection method: clinical testing. Allele origin: germline. Observed: 1 variant allele.
Comment: The Arg18625His variant in TTN has not been previously reported in individuals w ith cardiomyopathy, but has been identified in 1/8254 European American chromoso mes by the NHLBI Exome Sequencing Project. C omputational prediction tools and conservation analysis do not provide strong su pport for or against an impact to the protein. Additional information is needed to fully assess the clinical significance of the Arg18625His variant.

Genetics and Genomics Program, Sidra Medicine
Classification: Uncertain significance for Hypertrophic cardiomyopathy. Review status: criteria provided, single submitter. Criteria: ACMG Guidelines, 2015. Collection method: research. Allele origin: unknown. Affected: yes. Observed: 1 variant allele.

Literature cited by the submitters: PubMed 34137518 (cited by Women's Health and Genetics/Laboratory Corporation of America, LabCorp).